The following is an entry in ClinVar:

ClinVar aggregate classification (germline): Conflicting classifications of pathogenicity. Review status: criteria provided, conflicting classifications (1 of 4 stars). 3 submissions from 3 submitters: Uncertain significance (2); Likely benign (1). Last evaluated 2026-03-21.

Conditions:
SYK-related disorder. Also called: SYK-related condition.

gnomAD v4.1: 528 of 1,611,492 alleles (0.033%); highest among the groups gnomAD compares: Non-Finnish European, 0.043%; no homozygotes.

Submissions (3):

PreventionGenetics, part of Exact Sciences
Classification: Uncertain significance for SYK-related condition. Last evaluated: 2026-03-21. Review status: criteria provided, single submitter. Criteria: ACMG Guidelines, 2015. Collection method: clinical testing. Allele origin: germline.
Comment: The SYK c.1558C>A variant is predicted to result in the amino acid substitution p.Arg520Ser. To our knowledge, this variant has not been reported in the literature. This variant is reported in 0.032% of alleles in individuals of European (Non-Finnish) descent in gnomAD. Although we suspect that this variant may be benign, at this time, the clinical significance of this variant is uncertain due to the absence of conclusive functional and genetic evidence.

CeGaT Center for Human Genetics Tuebingen
Classification: Likely benign. Last evaluated: 2026-03-01. Review status: criteria provided, single submitter. Criteria: CeGaT Center For Human Genetics Tuebingen Variant Classification Criteria Version 2. Collection method: clinical testing. Allele origin: germline. Affected: yes. Observed: 1 variant allele.
Comment: SYK: BP4

Ambry Genetics
Classification: Uncertain significance. Last evaluated: 2025-03-27. Review status: criteria provided, single submitter. Criteria: Ambry Variant Classification Scheme 2023. Collection method: clinical testing. Allele origin: germline.

NM_003177.7(SYK):c.1558C>A (p.Arg520Ser)

Gene: SYK (spleen associated tyrosine kinase; plus strand). Cytogenetic location: 9q22.2.
Variant type: single nucleotide variant.
Coding change: c.1558C>A on transcript NM_003177.7 (MANE Select); coding-DNA position 1558, C replaced by A.
Protein change: p.Arg520Ser; replaces arginine 520 with serine.
Molecular consequence: missense variant.
Genome position (GRCh38, 1-based): chr9:90,878,930, C>A. VCF-style: chr9-90878930-C-A. GRCh37 (hg19) VCF-style: chr9-93641212-C-A.
Other names: c.1489C>A, p.Arg497Ser (NM_001135052.4, NM_001174168.3); c.1558C>A, p.Arg520Ser (NM_001174167.3); c.1558C>A (NM_003177.6); short protein forms R520S, R497S.
Identifiers: ClinVar variation 2341397 (VCV002341397.8), dbSNP rs200320837, ClinGen allele CA5119518.